The following is an entry in ClinVar:

NM_014249.4(NR2E3):c.259dup (p.Ala87fs)

Gene: NR2E3 (nuclear receptor subfamily 2 group E member 3; plus strand). Cytogenetic location: 15q23.
Variant type: Duplication.
Coding change: c.259dup on transcript NM_014249.4 (MANE Select); coding-DNA position 259, one base duplicated (G; older notation c.259dupG).
Protein change: p.Ala87fs; shifts the reading frame from alanine 87.
Molecular consequence: frameshift variant.
Genome position (GRCh38, 1-based): chr15:71,811,779, G duplicated; the last of 5 consecutive G bases (chr15:71,811,775-71,811,779); duplicating any one gives the same sequence. VCF-style (leftmost placement, unchanged base first): chr15-71811774-T-TG. GRCh37 (hg19) VCF-style: chr15-72104114-T-TG.
Other names: c.259dup, p.Ala87fs (NM_016346.4); short protein forms A87fs.
Identifiers: ClinVar variation 2744917 (VCV002744917.4), dbSNP rs1300454570, ClinGen allele CA715429023.

ClinVar aggregate classification (germline): Pathogenic. Review status: criteria provided, multiple submitters, no conflicts (2 of 4 stars). 2 submissions from 2 submitters: Pathogenic (2). Last evaluated 2023-07-25.

Conditions:
NR2E3-related disorder. Also called: NR2E3-related disorders; NR2E3-related condition. Identifiers: MedGen CN239387.

Submissions (2):

Labcorp Genetics (formerly Invitae), Labcorp
Classification: Pathogenic. Last evaluated: 2023-07-25. Review status: criteria provided, single submitter. Criteria: Invitae Variant Classification Sherloc (09022015). Collection method: clinical testing. Allele origin: germline.
Comment: For these reasons, this variant has been classified as Pathogenic. This variant has not been reported in the literature in individuals affected with NR2E3-related conditions. This variant is not present in population databases (gnomAD no frequency). This sequence change creates a premature translational stop signal (p.Ala87Glyfs*54) in the NR2E3 gene. It is expected to result in an absent or disrupted protein product. Loss-of-function variants in NR2E3 are known to be pathogenic (PMID: 15459973, 27522502).

Blueprint Genetics
Classification: Pathogenic for NR2E3-related disorders. Last evaluated: 2022-08-09. Review status: criteria provided, single submitter. Criteria: ACMG Guidelines, 2015. Collection method: clinical testing. Allele origin: germline. Affected: yes. Observed: 2 variant alleles.

Literature cited by the submitters: PubMed 15459973 (cited by Labcorp Genetics (formerly Invitae), Labcorp); PubMed 27522502 (cited by Labcorp Genetics (formerly Invitae), Labcorp).